The following is an entry in ClinVar:

NM_021969.3(NR0B2):c.91G>A (p.Ala31Thr)

Genes: NR0B2 (nuclear receptor subfamily 0 group B member 2; minus strand), NUDC (nuclear distribution C, dynein complex regulator; plus strand). Cytogenetic location: 1p36.11.
Variant type: single nucleotide variant.
Coding change: c.91G>A on transcript NM_021969.3 (MANE Select); coding-DNA position 91, G replaced by A.
Protein change: p.Ala31Thr; replaces alanine 31 with threonine.
Molecular consequence: missense variant.
Genome position (GRCh38, 1-based): chr1:26,913,850, C>T on the plus strand (G>A on the coding strand, the complement: NR0B2 is on the minus strand). VCF-style: chr1-26913850-C-T. GRCh37 (hg19) VCF-style: chr1-27240341-C-T.
Other names: short protein forms A31T.
Identifiers: ClinVar variation 2633132 (VCV002633132.1), dbSNP rs1442533451, ClinGen allele CA339192826.

ClinVar aggregate classification (germline): Uncertain significance (1 of 4 stars; one submission).

Conditions:
NR0B2-related disorder. Also called: NR0B2-related condition.

Allele frequency attached by ClinVar (database versions not stated): TOPMed below 0.00001.
gnomAD v4.1: 2 of 1,507,540 alleles (0.00013%); highest among the groups gnomAD compares: East Asian, 0.0023%; no homozygotes.

Submission:

PreventionGenetics, part of Exact Sciences
Classification: Uncertain significance for NR0B2-related condition. Last evaluated: 2023-04-25. Review status: criteria provided, single submitter. Criteria: ACMG Guidelines, 2015. Collection method: clinical testing. Allele origin: germline.
Comment: The NR0B2 c.91G>A variant is predicted to result in the amino acid substitution p.Ala31Thr. To our knowledge, this variant has not been reported in the literature or in a large population database, indicating this variant is rare. At this time, the clinical significance of this variant is uncertain due to the absence of conclusive functional and genetic evidence.